The following is an entry in ClinVar:

NM_001364905.1(LRBA):c.5524G>C (p.Val1842Leu)

Gene: LRBA (LPS responsive beige-like anchor protein; minus strand). Cytogenetic location: 4q31.3.
Variant type: single nucleotide variant.
Coding change: c.5524G>C on transcript NM_001364905.1 (MANE Select); coding-DNA position 5524, G replaced by C.
Protein change: p.Val1842Leu; replaces valine 1842 with leucine.
Molecular consequence: missense variant.
Genome position (GRCh38, 1-based): chr4:150,798,137, C>G on the plus strand (G>C on the coding strand, the complement: LRBA is on the minus strand). VCF-style: chr4-150798137-C-G. GRCh37 (hg19) VCF-style: chr4-151719289-C-G.
Other names: c.5524G>C, p.Val1842Leu (NM_001199282.3, NM_001367550.1, NM_006726.5); short protein forms V1842L.
Identifiers: ClinVar variation 2015781 (VCV002015781.4), dbSNP rs2547453360, ClinGen allele CA358609538.

ClinVar aggregate classification (germline): Uncertain significance (1 of 4 stars; one submission).

Conditions:
Combined immunodeficiency due to LRBA deficiency. Also called: Common variable immunodeficiency 8, with autoimmunity. Identifiers: Orphanet 445018, MedGen C3553512, MONDO:0013863, OMIM 614700.

Submission:

Labcorp Genetics (formerly Invitae), Labcorp
Classification: Uncertain significance for Combined immunodeficiency due to LRBA deficiency. Last evaluated: 2022-07-26. Review status: criteria provided, single submitter. Criteria: Invitae Variant Classification Sherloc (09022015). Collection method: clinical testing. Allele origin: germline.
Comment: Algorithms developed to predict the effect of missense changes on protein structure and function are either unavailable or do not agree on the potential impact of this missense change (SIFT: "Tolerated"; PolyPhen-2: "Probably Damaging"; Align-GVGD: "Class C0"). In summary, the available evidence is currently insufficient to determine the role of this variant in disease. Therefore, it has been classified as a Variant of Uncertain Significance. This variant has not been reported in the literature in individuals affected with LRBA-related conditions. This variant is not present in population databases (gnomAD no frequency). This sequence change replaces valine, which is neutral and non-polar, with leucine, which is neutral and non-polar, at codon 1842 of the LRBA protein (p.Val1842Leu).